The following is an entry in ClinVar:

NM_015910.7(WDPCP):c.2159-14A>G

Gene: WDPCP (WD repeat containing planar cell polarity effector; minus strand). Cytogenetic location: 2p15.
Variant type: single nucleotide variant.
Coding change: c.2159-14A>G on transcript NM_015910.7 (MANE Select); 14 bases into the intron before coding-DNA position 2159, A replaced by G.
Molecular consequence: intron variant.
Genome position (GRCh38, 1-based): chr2:63,152,959, T>C on the plus strand (A>G on the coding strand, the complement: WDPCP is on the minus strand). VCF-style: chr2-63152959-T-C. GRCh37 (hg19) VCF-style: chr2-63380094-T-C.
Other names: c.2087-14A>G (NM_001354044.2); c.1682-14A>G (NM_001042692.3).
Identifiers: ClinVar variation 1498206 (VCV001498206.4), dbSNP rs748390681, ClinGen allele CA1681974.

ClinVar aggregate classification (germline): Uncertain significance. Review status: criteria provided, multiple submitters, no conflicts (2 of 4 stars). 2 submissions from 2 submitters: Uncertain significance (2). Last evaluated 2024-05-09.

Conditions:
Heart defect - tongue hamartoma - polysyndactyly syndrome. Also called: Congenital heart defects, hamartomas of tongue, and polysyndactyly. Identifiers: Orphanet 1338, MedGen C1857587, MONDO:0009008, OMIM 217085.
Bardet-Biedl syndrome 15 (BBS15). Identifiers: Orphanet 110, MedGen C3150127, MONDO:0014443, OMIM 615992.
Bardet-Biedl syndrome (BBS). Identifiers: Orphanet 110, MedGen C0752166, MONDO:0015229.

Allele frequency attached by ClinVar (database versions not stated): ExAC 0.00001; gnomAD 0.00001; TOPMed 0.00002; gnomAD exomes 0.00003.
gnomAD v4.1: 13 of 1,611,066 alleles (0.00081%); highest among the groups gnomAD compares: Admixed American, 0.015%; no homozygotes.

Submissions (2):

Fulgent Genetics
Classification: Uncertain significance for Heart defect - tongue hamartoma - polysyndactyly syndrome; Bardet-Biedl syndrome 15. Last evaluated: 2024-05-09. Review status: criteria provided, single submitter. Criteria: ACMG Guidelines, 2015. Collection method: clinical testing. Allele origin: germline.

Labcorp Genetics (formerly Invitae), Labcorp
Classification: Uncertain significance for Bardet-Biedl syndrome. Last evaluated: 2022-03-14. Review status: criteria provided, single submitter. Criteria: Invitae Variant Classification Sherloc (09022015). Collection method: clinical testing. Allele origin: germline.
Comment: This sequence change falls in intron 16 of the WDPCP gene. It does not directly change the encoded amino acid sequence of the WDPCP protein. This variant is present in population databases (rs748390681, gnomAD 0.02%). This variant has not been reported in the literature in individuals affected with WDPCP-related conditions. Algorithms developed to predict the effect of sequence changes on RNA splicing suggest that this variant may create or strengthen a splice site. In summary, the available evidence is currently insufficient to determine the role of this variant in disease. Therefore, it has been classified as a Variant of Uncertain Significance.